The following is an entry in ClinVar:

ClinVar aggregate classification (germline): Uncertain significance. Review status: criteria provided, multiple submitters, no conflicts (2 of 4 stars). 2 submissions from 2 submitters: Uncertain significance (2). Last evaluated 2024-05-23.

Conditions:
Inborn genetic diseases. Identifiers: MedGen C0950123, MeSH D030342.
Gamma-aminobutyric acid transaminase deficiency (GABATD). Also called: GABA transaminase deficiency; Gamma aminobutyrate transaminase deficiency; 4 alpha aminobutyrate transaminase deficiency; GABA aminotransaminase deficiency. Identifiers: Orphanet 2066, MedGen C0342708, MONDO:0013166, OMIM 613163.

Allele frequency attached by ClinVar (database versions not stated): gnomAD exomes 0.00001; gnomAD 0.00002 and 0.00004; ExAC 0.00003; TOPMed 0.00006; ESP Exome Variant Server 0.00023.
gnomAD v4.1: 11 of 1,607,704 alleles (0.00068%); highest among the groups gnomAD compares: African/African-American, 0.0093%; no homozygotes.

Submissions (2):

Ambry Genetics
Classification: Uncertain significance for Inborn genetic diseases. Last evaluated: 2024-05-23. Review status: criteria provided, single submitter. Criteria: Ambry Variant Classification Scheme 2023. Collection method: clinical testing. Allele origin: germline.

Labcorp Genetics (formerly Invitae), Labcorp
Classification: Uncertain significance for Gamma-aminobutyric acid transaminase deficiency. Last evaluated: 2022-04-09. Review status: criteria provided, single submitter. Criteria: Invitae Variant Classification Sherloc (09022015). Collection method: clinical testing. Allele origin: germline.
Comment: This sequence change replaces glutamine, which is neutral and polar, with leucine, which is neutral and non-polar, at codon 15 of the ABAT protein (p.Gln15Leu). This variant is present in population databases (rs375337638, gnomAD 0.02%). This variant has not been reported in the literature in individuals affected with ABAT-related conditions. ClinVar contains an entry for this variant (Variation ID: 1005042). Algorithms developed to predict the effect of missense changes on protein structure and function (SIFT, PolyPhen-2, Align-GVGD) all suggest that this variant is likely to be tolerated. In summary, the available evidence is currently insufficient to determine the role of this variant in disease. Therefore, it has been classified as a Variant of Uncertain Significance.

NM_020686.6(ABAT):c.44A>T (p.Gln15Leu)

Gene: ABAT (4-aminobutyrate aminotransferase; plus strand). Cytogenetic location: 16p13.2.
Variant type: single nucleotide variant.
Coding change: c.44A>T on transcript NM_020686.6 (MANE Select); coding-DNA position 44, A replaced by T.
Protein change: p.Gln15Leu; replaces glutamine 15 with leucine.
Molecular consequence: missense variant. On other transcripts: intron variant (3).
Genome position (GRCh38, 1-based): chr16:8,735,783, A>T. VCF-style: chr16-8735783-A-T. GRCh37 (hg19) VCF-style: chr16-8829640-A-T.
Other names: c.44A>T, p.Gln15Leu (NM_000663.5, NM_001127448.2, NM_001386600.1 and 13 more transcripts); c.-65-10218A>T (NM_001386611.1, NM_001386612.1, NM_001386613.1); c.44A>T (NM_020686.5); short protein forms Q15L.
Identifiers: ClinVar variation 1005042 (VCV001005042.7), dbSNP rs375337638, ClinGen allele CA7892916.